The following is an entry in ClinVar:

NM_054012.4(ASS1):c.896C>A (p.Ala299Asp)

Gene: ASS1 (argininosuccinate synthase 1; plus strand). Cytogenetic location: 9q34.11.
Variant type: single nucleotide variant.
Coding change: c.896C>A on transcript NM_054012.4 (MANE Select); coding-DNA position 896, C replaced by A.
Protein change: p.Ala299Asp; replaces alanine 299 with aspartic acid.
Molecular consequence: missense variant.
Genome position (GRCh38, 1-based): chr9:130,489,390, C>A. VCF-style: chr9-130489390-C-A. GRCh37 (hg19) VCF-style: chr9-133364777-C-A.
Other names: c.896C>A, p.Ala299Asp (NM_000050.4); short protein forms A299D.
Identifiers: ClinVar variation 2140714 (VCV002140714.4), dbSNP rs768394647, ClinGen allele CA5283568.
Genomic context (GRCh38, chr9:130,489,390, plus strand): 5'-TAGGTATCTACGAGACCCCAGCAGGCACCATCCTTTACCATGCTCATTTAGACATCGAGG[C>A]CTTCACCATGGACCGGGAAGTGCGCAAAATCAAACAAGGCCTGGGCTTGAAATTTGCTGA-3'
Protein context (NP_446464.1, residues 289-309): ILYHAHLDIE[Ala299Asp]FTMDREVRKI

ClinVar aggregate classification (germline): Conflicting classifications of pathogenicity. Review status: criteria provided, conflicting classifications (1 of 4 stars). 3 submissions from 3 submitters: Pathogenic (1); Uncertain significance (2). Last evaluated 2026-05-04.

Conditions:
Citrullinemia. Identifiers: Orphanet 187, MedGen C0175683, MONDO:0015991.
Citrullinemia type I (CTNL1). Also called: ASS DEFICIENCY; argininosuccinate synthetase deficiency. Identifiers: Orphanet 247525, MedGen C4721769, MONDO:0008988, OMIM 215700.

Allele frequency attached by ClinVar (database versions not stated): ExAC 0.00001; gnomAD 0.00001; TOPMed 0.00001.
gnomAD v4.1: 16 of 1,613,964 alleles (0.00099%); highest among the groups gnomAD compares: African/African-American, 0.004%; no homozygotes.

Submissions (3):

Myriad Genetics, Inc.
Classification: Uncertain significance for Citrullinemia type I. Last evaluated: 2026-05-04. Review status: criteria provided, single submitter. Criteria: Myriad Autosomal Dominant, Autosomal Recessive and X-Linked Classification Criteria (2023). Collection method: clinical testing. Allele origin: unknown.
Comment: NM_000050.4(ASS1):c.896C>A(A299D) is a missense variant classified as a variant of uncertain significance in the context of citrullinemia type 1. A299D has been observed in a case with relevant disease (PMID: 28111830). Relevant functional assessments of this variant are not available in the literature. A299D has been observed in referenced population frequency databases. In summary, there is insufficient evidence to classify NM_000050.4(ASS1):c.896C>A(A299D) as pathogenic or benign. Please note: this variant was assessed in the context of healthy population screening.

Labcorp Genetics (formerly Invitae), Labcorp
Classification: Pathogenic for Citrullinemia. Last evaluated: 2025-04-17. Review status: criteria provided, single submitter. Criteria: Invitae Variant Classification Sherloc (09022015). Collection method: clinical testing. Allele origin: germline.
Comment: This sequence change replaces alanine, which is neutral and non-polar, with aspartic acid, which is acidic and polar, at codon 299 of the ASS1 protein (p.Ala299Asp). This variant is present in population databases (rs768394647, gnomAD 0.008%). This missense change has been observed in individual(s) with clinical features of citrullinemia type I (internal data). In at least one individual the data is consistent with being in trans (on the opposite chromosome) from a pathogenic variant. ClinVar contains an entry for this variant (Variation ID: 2140714). Invitae Evidence Modeling of protein sequence and biophysical properties (such as structural, functional, and spatial information, amino acid conservation, physicochemical variation, residue mobility, and thermodynamic stability) indicates that this missense variant is not expected to disrupt ASS1 protein function with a negative predictive value of 80%. For these reasons, this variant has been classified as Pathogenic.

Juno Genomics, Hangzhou Juno Genomics, Inc
Classification: Uncertain significance for Citrullinemia type I. Review status: criteria provided, single submitter. Criteria: ACMG Guidelines, 2015. Collection method: clinical testing. Allele origin: germline.
Comment: Absent from controls (or at extremely low frequency if recessive) in Genome Aggregation Database.;Multiple lines of computational evidence support a deleterious effect on the gene or gene product.

Literature cited by the submitters: PubMed 28111830 (cited by Myriad Genetics, Inc.).